The following is an entry in ClinVar:

ClinVar aggregate classification (germline): Uncertain significance (1 of 4 stars; one submission).

Conditions:
Autosomal recessive spinocerebellar ataxia 12. Also called: SPINOCEREBELLAR ATAXIA WITH MENTAL RETARDATION AND EPILEPSY. Identifiers: Orphanet 284282, MedGen C3280452, MONDO:0013687, OMIM 614322.
Developmental and epileptic encephalopathy, 1 (DEE1). Also called: X-linked infantile spasms; West's syndrome; Tonic spasms with clustering, arrest of psychomotor development and hypsarrhythmia on EEG; X-Linked Infantile Spasm Syndrome; OHTAHARA SYNDROME, X-LINKED; INFANTILE SPASM SYNDROME, X-LINKED 1. Identifiers: MedGen C3463992, MONDO:0010632, OMIM 308350. Disease mechanism: loss of function.

Submission:

Labcorp Genetics (formerly Invitae), Labcorp
Classification: Uncertain significance for Developmental and epileptic encephalopathy, 1; Autosomal recessive spinocerebellar ataxia 12. Last evaluated: 2022-08-22. Review status: criteria provided, single submitter. Criteria: Invitae Variant Classification Sherloc (09022015). Collection method: clinical testing. Allele origin: germline.
Comment: In summary, the available evidence is currently insufficient to determine the role of this variant in disease. Therefore, it has been classified as a Variant of Uncertain Significance. Variants that disrupt the consensus splice site are a relatively common cause of aberrant splicing (PMID: 17576681, 9536098). Algorithms developed to predict the effect of sequence changes on RNA splicing suggest that this variant is not likely to affect RNA splicing. This variant has not been reported in the literature in individuals affected with WWOX-related conditions. This variant is not present in population databases (gnomAD no frequency). This sequence change falls in intron 3 of the WWOX gene. It does not directly change the encoded amino acid sequence of the WWOX protein. It affects a nucleotide within the consensus splice site.

Literature cited by the submitters: PubMed 17576681; PubMed 9536098.

NM_016373.4(WWOX):c.230+6T>C

Gene: WWOX (WW domain containing oxidoreductase; plus strand). Cytogenetic location: 16q23.1.
Variant type: single nucleotide variant.
Coding change: c.230+6T>C on transcript NM_016373.4 (MANE Select); 6 bases into the intron after coding-DNA position 230, T replaced by C.
Molecular consequence: intron variant.
Genome position (GRCh38, 1-based): chr16:78,109,841, T>C. VCF-style: chr16-78109841-T-C. GRCh37 (hg19) VCF-style: chr16-78143738-T-C.
Other names: c.-110+6T>C (NM_001291997.2); c.230+6T>C (NM_130791.5).
Identifiers: ClinVar variation 2051191 (VCV002051191.4), dbSNP rs2507187924, ClinGen allele CA2580092135.
Genomic context (GRCh38, chr16:78,109,841, plus strand): 5'-TGCCATACGGATGGGAACAAGAAACTGATGAGAACGGACAAGTGTTTTTTGTTGAGTAAG[T>C]GTCTGCAAAGAAACCACTCTCAGCTGTTTTGCTTTTTAATAGGAATTTTTAATTATAAAA-3'